The following is an entry in ClinVar:

NM_000243.3(MEFV):c.238C>T (p.Arg80Cys)

Gene: MEFV (MEFV innate immunity regulator, pyrin; minus strand). Cytogenetic location: 16p13.3.
Variant type: single nucleotide variant.
Coding change: c.238C>T on transcript NM_000243.3 (MANE Select); coding-DNA position 238, C replaced by T.
Protein change: p.Arg80Cys; replaces arginine 80 with cysteine.
Molecular consequence: missense variant.
Genome position (GRCh38, 1-based): chr16:3,256,350, G>A on the plus strand (C>T on the coding strand, the complement: MEFV is on the minus strand). VCF-style: chr16-3256350-G-A. GRCh37 (hg19) VCF-style: chr16-3306350-G-A.
Other names: c.238C>T, p.Arg80Cys (NM_001198536.2); short protein forms R80C.
Identifiers: ClinVar variation 1694336 (VCV001694336.6), dbSNP rs766608226, ClinGen allele CA7860498.
Genomic context (GRCh38, chr16:3,256,350, plus strand): 5'-AGGAGGCCTGGGCCCGCTTACCCTGAATGGCTGCCCTGTGGAGCTCCTCGGCCAGCAGGC[G>A]CTGGTTGATGGCCCGCAGGACCTGCAGGGTGAGCTGCACGGCGTACTCTTCCCCATAGTA-3'
Protein context (NP_000234.1, residues 70-90): TLQVLRAINQ[Arg80Cys]LLAEELHRAA

ClinVar aggregate classification (germline): Uncertain significance. Review status: criteria provided, multiple submitters, no conflicts (2 of 4 stars). 3 submissions from 3 submitters: Uncertain significance (3). Last evaluated 2024-06-28.

Conditions:
Autoinflammatory syndrome. Identifiers: Orphanet 93665, MedGen C3890737, MONDO:0019751.
Familial Mediterranean fever (FMF). Also called: POLYSEROSITIS, FAMILIAL PAROXYSMAL; POLYSEROSITIS, RECURRENT; Periodic peritonitis; Benign paroxysmal peritonitis. Identifiers: Orphanet 342, MedGen C0031069, MONDO:0018088, OMIM 249100. Disease mechanism: gain of function.

Allele frequency attached by ClinVar (database versions not stated): TOPMed below 0.00001; gnomAD exomes 0.00002; ExAC 0.00004.
gnomAD v4.1: 38 of 1,613,966 alleles (0.0024%); highest among the groups gnomAD compares: South Asian, 0.015%; 1 homozygote.

Submissions (3):

Blueprint Genetics
Classification: Uncertain significance. Last evaluated: 2024-06-28. Review status: criteria provided, single submitter. Criteria: ACMG Guidelines, 2015. Collection method: clinical testing. Allele origin: germline.

Labcorp Genetics (formerly Invitae), Labcorp
Classification: Uncertain significance for Familial Mediterranean fever. Last evaluated: 2021-05-12. Review status: criteria provided, single submitter. Criteria: Invitae Variant Classification Sherloc (09022015). Collection method: clinical testing. Allele origin: germline.
Comment: This sequence change replaces arginine with cysteine at codon 80 of the MEFV protein (p.Arg80Cys). The arginine residue is moderately conserved and there is a large physicochemical difference between arginine and cysteine. This variant is present in population databases (rs766608226, ExAC 0.03%). This variant has not been reported in the literature in individuals with MEFV-related disease. Algorithms developed to predict the effect of missense changes on protein structure and function do not agree on the potential impact of this missense change (SIFT: "Deleterious"; PolyPhen-2: "Probably Damaging"; Align-GVGD: "Class C0"). In summary, the available evidence is currently insufficient to determine the role of this variant in disease. Therefore, it has been classified as a Variant of Uncertain Significance.

Genome Diagnostics Laboratory, The Hospital for Sick Children
Classification: Uncertain significance for Autoinflammatory syndrome. Last evaluated: 2018-09-01. Review status: criteria provided, single submitter. Criteria: ACMG Guidelines, 2015. Collection method: clinical testing. Allele origin: germline. Affected: yes.